The following is an entry in ClinVar:

ClinVar aggregate classification (germline): Uncertain significance (1 of 4 stars; one submission).

gnomAD v4.1: 11 of 1,608,150 alleles (0.00068%); highest among the groups gnomAD compares: Non-Finnish European, 0.00094%; no homozygotes.

Submission:

Labcorp Genetics (formerly Invitae), Labcorp
Classification: Uncertain significance. Last evaluated: 2024-05-28. Review status: criteria provided, single submitter. Criteria: Invitae Variant Classification Sherloc (09022015). Collection method: clinical testing. Allele origin: germline.
Comment: This sequence change replaces glycine, which is neutral and non-polar, with arginine, which is basic and polar, at codon 837 of the MYO18B protein (p.Gly837Arg). This variant is present in population databases (rs547223226, gnomAD 0.0009%). This variant has not been reported in the literature in individuals affected with MYO18B-related conditions. An algorithm developed to predict the effect of missense changes on protein structure and function (PolyPhen-2) suggests that this variant is likely to be disruptive. In summary, the available evidence is currently insufficient to determine the role of this variant in disease. Therefore, it has been classified as a Variant of Uncertain Significance.

NM_032608.7(MYO18B):c.2509G>A (p.Gly837Arg)

Gene: MYO18B (myosin XVIIIB; plus strand). Cytogenetic location: 22q12.1.
Variant type: single nucleotide variant.
Coding change: c.2509G>A on transcript NM_032608.7 (MANE Select); coding-DNA position 2509, G replaced by A.
Protein change: p.Gly837Arg; replaces glycine 837 with arginine.
Molecular consequence: missense variant.
Genome position (GRCh38, 1-based): chr22:25,798,085, G>A. VCF-style: chr22-25798085-G-A. GRCh37 (hg19) VCF-style: chr22-26194052-G-A.
Other names: c.2509G>A, p.Gly837Arg (NM_001318245.2); short protein forms G837R.
Identifiers: ClinVar variation 3610975 (VCV003610975.2).
Genomic context (GRCh38, chr22:25,798,085, plus strand): 5'-GAGAGCGAGCAGCGGGCTGTTTGGCGGGTCCTGGCAGCCATCTACCACCTGGGTGCGGCG[G>A]GGGCCTGCAAAGGTACGTCCTTCCTGCCGGGCTCACCTGGGAGGGCAGCTGTCTCCTTTG-3'
Protein context (NP_115997.5, residues 827-847): LAAIYHLGAA[Gly837Arg]ACKVGRKQFM